The following is an entry in ClinVar:

NM_024757.5(EHMT1):c.3333C>G (p.Cys1111Trp)

Gene: EHMT1 (euchromatic histone lysine methyltransferase 1; plus strand). Cytogenetic location: 9q34.3.
Variant type: single nucleotide variant.
Coding change: c.3333C>G on transcript NM_024757.5 (MANE Select); coding-DNA position 3333, C replaced by G.
Protein change: p.Cys1111Trp; replaces cysteine 1111 with tryptophan.
Molecular consequence: missense variant.
Genome position (GRCh38, 1-based): chr9:137,816,021, C>G. VCF-style: chr9-137816021-C-G. GRCh37 (hg19) VCF-style: chr9-140710473-C-G.
Other names: c.3312C>G, p.Cys1104Trp (NM_001354263.2); short protein forms C1104W, C1111W.
Identifiers: ClinVar variation 3391425 (VCV003391425.1).

ClinVar aggregate classification (germline): Likely pathogenic (1 of 4 stars; one submission).

Conditions:
Kleefstra syndrome 1 (KLEFS1). Identifiers: Orphanet 261494, MedGen C0795833, MONDO:0027407, OMIM 610253.

Submission:

Clinical Genetics Center, Xinhua Hospital affiliated to Shanghai Jiao Tong University School of Medicine
Classification: Likely pathogenic for Kleefstra syndrome 1. Last evaluated: 2024-11-01. Review status: criteria provided, single submitter. Criteria: ACMG Guidelines, 2015. Collection method: clinical testing. Allele origin: de novo. Affected: yes.
Comment: PM1+PM6+PM2_Supporting+PP3